The following is an entry in ClinVar:

ClinVar aggregate classification (germline): Pathogenic (1 of 4 stars; one submission).

Conditions:
Ehlers-Danlos syndrome, kyphoscoliotic type 1 (EDSKSCL1). Also called: Ehlers-Danlos syndrome, hydroxylysine-deficient; EHLERS-DANLOS SYNDROME, OCULAR-SCOLIOTIC TYPE; EHLERS-DANLOS SYNDROME, TYPE VIA; PLOD1-Related Kyphoscoliotic Ehlers-Danlos Syndrome. Identifiers: Orphanet 1900, MedGen C0268342, MONDO:0016002, OMIM 225400. Disease mechanism: loss of function.

Submission:

Labcorp Genetics (formerly Invitae), Labcorp
Classification: Pathogenic for Ehlers-Danlos syndrome, kyphoscoliotic type 1. Last evaluated: 2023-02-21. Review status: criteria provided, single submitter. Criteria: Invitae Variant Classification Sherloc (09022015). Collection method: clinical testing. Allele origin: germline.
Comment: This sequence change creates a premature translational stop signal (p.Leu236Argfs*3) in the PLOD1 gene. It is expected to result in an absent or disrupted protein product. Loss-of-function variants in PLOD1 are known to be pathogenic (PMID: 10874315, 21699693). This variant is not present in population databases (gnomAD no frequency). This variant has not been reported in the literature in individuals affected with PLOD1-related conditions. For these reasons, this variant has been classified as Pathogenic.

Literature cited by the submitters: PubMed 10874315; PubMed 21699693.

NM_000302.4(PLOD1):c.707_710del (p.Leu236fs)

Gene: PLOD1 (procollagen-lysine,2-oxoglutarate 5-dioxygenase 1; plus strand). Cytogenetic location: 1p36.22.
Variant type: Deletion.
Coding change: c.707_710del on transcript NM_000302.4 (MANE Select); coding-DNA positions 707 to 710, 4 bases deleted (TCCC; older notation c.707_710delTCCC).
Protein change: p.Leu236fs; shifts the reading frame from leucine 236.
Molecular consequence: frameshift variant.
Genome position (GRCh38, 1-based): chr1:11,956,980-11,956,983, TCCC deleted; deleting any 4 consecutive bases within chr1:11,956,977-11,956,983 gives the same sequence; the c. name uses the placement nearest the transcript's 3' end. VCF-style (leftmost placement, unchanged base first): chr1-11956976-ACCCT-A. GRCh37 (hg19) VCF-style: chr1-12017033-ACCCT-A.
Other names: c.848_851del, p.Leu283fs (NM_001316320.2); short protein forms L236fs, L283fs.
Identifiers: ClinVar variation 2839393 (VCV002839393.3), dbSNP rs2522828917, ClinGen allele CA2739272267.
Genomic context (GRCh38, chr1:11,956,976, plus strand): 5'-GATGAGGTCGTGCTCAAGTTTGAAATGGGCCATGTGAGAGCGAGGAACCTGGCCTATGAC[ACCCT>A]CCCGGTCCTGATCCATGGCAACGGGCCAACCAAGGTAGGGGGTCCCCAGCCCCTGGGGAG-3'